The following is an entry in ClinVar:

NM_017763.6(RNF43):c.337C>T (p.Arg113Ter)

Gene: RNF43 (ring finger protein 43; minus strand). Cytogenetic location: 17q22.
Variant type: single nucleotide variant.
Coding change: c.337C>T on transcript NM_017763.6 (MANE Select); coding-DNA position 337, C replaced by T.
Protein change: p.Arg113Ter; replaces arginine 113 with a stop codon.
Molecular consequence: nonsense.
Genome position (GRCh38, 1-based): chr17:58,370,949, G>A on the plus strand (C>T on the coding strand, the complement: RNF43 is on the minus strand). VCF-style: chr17-58370949-G-A. GRCh37 (hg19) VCF-style: chr17-56448310-G-A.
Other names: c.337C>T, p.Arg113Ter (NM_001305544.3); c.-45C>T (NM_001305545.2); short protein forms R113*.
Identifiers: ClinVar variation 254140 (VCV000254140.7), dbSNP rs1567880628, ClinGen allele CA400343410.
Genomic context (GRCh38, chr17:58,370,949, plus strand): 5'-GTAGGGCGAAGTGTGAGTCTACCTTGCTAGCCAGTGACAGGCAGGGGCGGGGGGCCCGTC[G>A]AGGACTCTCCAGCTTGACGATGCTGATGAATCCAGGCTCCAGATTGTCGTCATCACTGGC-3'

ClinVar aggregate classification (germline): Conflicting classifications of pathogenicity. Review status: criteria provided, conflicting classifications (1 of 4 stars). 5 submissions from 5 submitters: Pathogenic (2); Uncertain significance (2). 1 of the submissions does not count toward it. Last evaluated 2026-02-16.

Conditions:
Sessile serrated polyposis cancer syndrome (SSPCS). Identifiers: Orphanet 157798, MedGen C4310714, MONDO:0014919, OMIM 617108.

Allele frequency attached by ClinVar (database versions not stated): TOPMed 0.00001; gnomAD exomes below 0.00001.

Submissions (5):

Ambry Genetics
Classification: Uncertain significance. Last evaluated: 2026-02-16. Review status: criteria provided, single submitter. Criteria: Ambry Variant Classification Scheme 2023. Collection method: clinical testing. Allele origin: germline.
Comment: The p.R113* variant (also known as c.337C>T), located in coding exon 2 of the RNF43 gene, results from a C to T substitution at nucleotide position 337. This changes the amino acid from an arginine to a stop codon within coding exon 2. The evidence for this gene-disease relationship is limited; therefore, the clinical significance of this variant is unclear.

Myriad Genetics, Inc.
Classification: Pathogenic for Sessile serrated polyposis cancer syndrome. Last evaluated: 2025-12-12. Review status: criteria provided, single submitter. Criteria: Myriad Autosomal Dominant, Autosomal Recessive and X-Linked Classification Criteria (2023). Collection method: clinical testing. Allele origin: unknown.
Comment: This variant is considered pathogenic. This variant creates a termination codon and is predicted to result in premature protein truncation.

GeneDx
Classification: Pathogenic. Last evaluated: 2024-08-15. Review status: criteria provided, single submitter. Criteria: GeneDx Variant Classification Process June 2021. Collection method: clinical testing. Allele origin: germline. Affected: yes.
Comment: Nonsense variant predicted to result in protein truncation or nonsense mediated decay in a gene for which loss of function is a known mechanism of disease; Not observed at significant frequency in large population cohorts (gnomAD); This variant is associated with the following publications: (PMID: 29330307, 33806975, 24512911)

Labcorp Genetics (formerly Invitae), Labcorp
Classification: Uncertain significance. Last evaluated: 2023-07-19. Review status: criteria provided, single submitter. Criteria: Invitae Variant Classification Sherloc (09022015). Collection method: clinical testing. Allele origin: germline.
Comment: This sequence change creates a premature translational stop signal (p.Arg113*) in the RNF43 gene. It is expected to result in an absent or disrupted protein product. However, the current clinical and genetic evidence is not sufficient to establish whether loss-of-function variants in RNF43 cause disease. In summary, the available evidence is currently insufficient to determine the role of this variant in disease. Therefore, it has been classified as a Variant of Uncertain Significance. ClinVar contains an entry for this variant (Variation ID: 254140). This premature translational stop signal has been observed in individual(s) with serrated polyposis (PMID: 24512911, 29330307). This variant is not present in population databases (gnomAD no frequency).

OMIM
Classification: Pathogenic for SESSILE SERRATED POLYPOSIS CANCER SYNDROME. Last evaluated: 2016-09-02. Review status: no assertion criteria provided. Collection method: literature only. Allele origin: germline. Not counted in ClinVar's aggregate classification.

Literature cited by the submitters: PubMed 24512911 (cited by Labcorp Genetics (formerly Invitae), Labcorp and OMIM); PubMed 29330307 (cited by Labcorp Genetics (formerly Invitae), Labcorp).